The following is an entry in ClinVar:

ClinVar aggregate classification (germline): Pathogenic (1 of 4 stars; one submission).

Submission:

GeneDx
Classification: Pathogenic. Last evaluated: 2015-08-06. Review status: criteria provided, single submitter. Criteria: GeneDx Variant Classification (06012015). Collection method: clinical testing. Allele origin: germline. Affected: yes.
Comment: The I240L substitution in the SCN8A gene has not been reported previously in the literature as a pathogenic variant nor as a benign polymorphism, to our knowledge. The I240L substitution was not observed in approximately 6400 individuals of European and African American ancestry in the NHLBI Exome Sequencing Project, indicating it is not a common benign variant in these populations. The I240L variant is a conservative amino acid substitution, which is not likely to impact secondary protein structure as these residues share similar properties. This substitution occurs at a position that is conserved across species in the cytoplasmic region between the S4 and S5 segments in the 1st homologous domain. In silico analysis predicts this variant is probably damaging to the protein structure/function. Therefore, we interpret I240L as a pathogenic variant.

NM_001330260.2(SCN8A):c.718A>C (p.Ile240Leu)

Gene: SCN8A (sodium voltage-gated channel alpha subunit 8; plus strand). Cytogenetic location: 12q13.13.
Variant type: single nucleotide variant.
Coding change: c.718A>C on transcript NM_001330260.2 (MANE Select); coding-DNA position 718, A replaced by C.
Protein change: p.Ile240Leu; replaces isoleucine 240 with leucine.
Molecular consequence: missense variant.
Genome position (GRCh38, 1-based): chr12:51,699,581, A>C. VCF-style: chr12-51699581-A-C. GRCh37 (hg19) VCF-style: chr12-52093365-A-C.
Other names: c.718A>C, p.Ile240Leu (NM_001177984.3, NM_001369788.1, NM_014191.4); short protein forms I240L.
Identifiers: ClinVar variation 419511 (VCV000419511.2), dbSNP rs1064793923, ClinGen allele CA16619556.